The following is an entry in ClinVar:

ClinVar aggregate classification (germline): Uncertain significance. Review status: criteria provided, multiple submitters, no conflicts (2 of 4 stars). 4 submissions from 4 submitters: Uncertain significance (4). Last evaluated 2026-01-26.

Conditions:
Hereditary cancer-predisposing syndrome. Also called: Neoplastic Syndromes, Hereditary; Hereditary Cancer Syndrome; Hereditary neoplastic syndrome; Tumor predisposition. Identifiers: Orphanet 140162, MedGen C0027672, MeSH D009386, MONDO:0015356.
Hereditary leiomyomatosis and renal cell cancer. Also called: LEIOMYOMA, MULTIPLE CUTANEOUS; MULTIPLE CUTANEOUS AND UTERINE LEIOMYOMATA 1, WITH OR WITHOUT RENAL CELL CARCINOMA; Reed syndrome; Multiple cutaneous and uterine leiomyomatosis; Cutaneous leiomyomata with uterine leiomyomata; Leiomyoma, hereditary multiple, of skin. Identifiers: Orphanet 523, MedGen C1708350, MONDO:0007888, OMIM 150800, HP:0007437. Disease mechanism: loss of function.
Fumarase deficiency (FMRD). Also called: Fumaric aciduria; Fumarate Hydratase Deficiency. Identifiers: Orphanet 24, MedGen C0342770, MONDO:0011730, OMIM 606812.

Allele frequency attached by ClinVar (database versions not stated): TOPMed 0.00001.

Submissions (4):

Ambry Genetics
Classification: Uncertain significance for Hereditary cancer-predisposing syndrome. Last evaluated: 2026-01-26. Review status: criteria provided, single submitter. Criteria: Ambry Variant Classification Scheme 2023. Collection method: clinical testing. Allele origin: germline.
Comment: The p.L303V variant (also known as c.907T>G), located in coding exon 7 of the FH gene, results from a T to G substitution at nucleotide position 907. The leucine at codon 303 is replaced by valine, an amino acid with highly similar properties. This amino acid position is highly conserved in available vertebrate species. In addition, this alteration is predicted to be deleterious by in silico analysis. Based on the available evidence, the clinical significance of this variant remains unclear.

Labcorp Genetics (formerly Invitae), Labcorp
Classification: Uncertain significance. Last evaluated: 2025-02-17. Review status: criteria provided, single submitter. Criteria: Invitae Variant Classification Sherloc (09022015). Collection method: clinical testing. Allele origin: germline.
Comment: This sequence change replaces leucine, which is neutral and non-polar, with valine, which is neutral and non-polar, at codon 303 of the FH protein (p.Leu303Val). This variant is not present in population databases (gnomAD no frequency). This variant has not been reported in the literature in individuals affected with FH-related conditions. ClinVar contains an entry for this variant (Variation ID: 390255). An algorithm developed to predict the effect of missense changes on protein structure and function (PolyPhen-2) suggests that this variant is likely to be tolerated. This variant disrupts the p.Leu303 amino acid residue in FH. Other variant(s) that disrupt this residue have been determined to be pathogenic (PMID: 22595425; internal data). This suggests that this residue is clinically significant, and that variants that disrupt this residue are likely to be disease-causing. In summary, the available evidence is currently insufficient to determine the role of this variant in disease. Therefore, it has been classified as a Variant of Uncertain Significance.

Fulgent Genetics
Classification: Uncertain significance for Hereditary leiomyomatosis and renal cell cancer; Fumarase deficiency. Last evaluated: 2022-02-08. Review status: criteria provided, single submitter. Criteria: ACMG Guidelines, 2015. Collection method: clinical testing. Allele origin: unknown.

GeneDx
Classification: Uncertain significance. Last evaluated: 2016-10-20. Review status: criteria provided, single submitter. Criteria: GeneDx Variant Classification (06012015). Collection method: clinical testing. Allele origin: germline. Affected: yes.
Comment: A variant of uncertain significance has been identified in the FH gene. The L303V variant has not been published as a pathogenic variant, nor has it been reported as a benign variant to our knowledge. The L303V variant was not observed in approximately 6,500 individuals of European and African American ancestry in the NHLBI Exome Sequencing Project, indicating it is not a common benign variant in these populations. The L303V variant is a conservative amino acid substitution, which is not likely to impact secondary protein structure as these residues share similar properties. This substitution occurs at a position that is conserved across species. In silico analysis is inconsistent in its predictions as to whether or not the variant is damaging to the protein structure/function. Another non-conservative missense variant at this position, L303S, has previously been reported in a single individual with mild fumarase deficiency who was also heterozygous for another missense variant in the FH gene, although the phase of these variants was not reported (Kimonis et al., 2012). Therefore, based on the currently available information, it is unclear whether this variant is a pathogenic variant or a rare benign variant.

Literature cited by the submitters: PubMed 22595425 (cited by Labcorp Genetics (formerly Invitae), Labcorp).

NM_000143.4(FH):c.907T>G (p.Leu303Val)

Gene: FH (fumarate hydratase; minus strand). Cytogenetic location: 1q43.
Variant type: single nucleotide variant.
Coding change: c.907T>G on transcript NM_000143.4 (MANE Select); coding-DNA position 907, T replaced by G.
Protein change: p.Leu303Val; replaces leucine 303 with valine.
Molecular consequence: missense variant.
Genome position (GRCh38, 1-based): chr1:241,504,243, A>C on the plus strand (T>G on the coding strand, the complement: FH is on the minus strand). VCF-style: chr1-241504243-A-C. GRCh37 (hg19) VCF-style: chr1-241667543-A-C.
Other names: short protein forms L303V.
Identifiers: ClinVar variation 390255 (VCV000390255.10), dbSNP rs1057523697, ClinGen allele CA16603666.